The following is an entry in ClinVar:

NM_002473.6(MYH9):c.5314C>T (p.His1772Tyr)

Gene: MYH9 (myosin heavy chain 9; minus strand). Cytogenetic location: 22q12.3.
Variant type: single nucleotide variant.
Coding change: c.5314C>T on transcript NM_002473.6 (MANE Select); coding-DNA position 5314, C replaced by T.
Protein change: p.His1772Tyr; replaces histidine 1772 with tyrosine.
Molecular consequence: missense variant.
Genome position (GRCh38, 1-based): chr22:36,285,290, G>A on the plus strand (C>T on the coding strand, the complement: MYH9 is on the minus strand). VCF-style: chr22-36285290-G-A. GRCh37 (hg19) VCF-style: chr22-36681336-G-A.
Other names: c.5314C>T (NM_002473.5); short protein forms H1772Y.
Identifiers: ClinVar variation 1361814 (VCV001361814.12), dbSNP rs1455355336, ClinGen allele CA411373749.

ClinVar aggregate classification (germline): Uncertain significance. Review status: criteria provided, multiple submitters, no conflicts (2 of 4 stars). 4 submissions from 4 submitters: Uncertain significance (4). Last evaluated 2025-12-31.

Conditions:
Autosomal dominant nonsyndromic hearing loss 17. Also called: Deafness, autosomal dominant 17; Autosomal dominant nonsyndromic deafness 17. Identifiers: Orphanet 90635, MedGen C1863659, MONDO:0011350, OMIM 603622.
Macrothrombocytopenia and granulocyte inclusions with or without nephritis or sensorineural hearing loss (MATINS). Also called: MACROTHROMBOCYTOPENIA WITH LEUKOCYTE INCLUSIONS; MACROTHROMBOCYTOPENIA, NEPHRITIS, AND DEAFNESS; MACROTHROMBOCYTOPENIA, NEPHRITIS, DEAFNESS, AND LEUKOCYTE INCLUSIONS; ALPORT SYNDROME WITH MACROTHROMBOCYTOPENIA; Fechtner syndrome; Epstein syndrome. Identifiers: Orphanet 182050, MedGen C5200934, MONDO:0015912, OMIM 155100.
MYH9-related disorder. Identifiers: MedGen C1854520.

Allele frequency attached by ClinVar (database versions not stated): gnomAD exomes below 0.00001; TOPMed below 0.00001.

Submissions (4):

PreventionGenetics, part of Exact Sciences
Classification: Uncertain significance for MYH9-related condition. Last evaluated: 2025-12-31. Review status: criteria provided, single submitter. Criteria: ACMG Guidelines, 2015. Collection method: clinical testing. Allele origin: germline.
Comment: The MYH9 c.5314C>T variant is predicted to result in the amino acid substitution p.His1772Tyr. To our knowledge, this variant has not been reported in the literature or in a large population database (gnomAD), indicating this variant is rare. At this time, the clinical significance of this variant is uncertain due to the absence of conclusive functional and genetic evidence.

Labcorp Genetics (formerly Invitae), Labcorp
Classification: Uncertain significance. Last evaluated: 2025-01-01. Review status: criteria provided, single submitter. Criteria: Invitae Variant Classification Sherloc (09022015). Collection method: clinical testing. Allele origin: germline.
Comment: This sequence change replaces histidine, which is basic and polar, with tyrosine, which is neutral and polar, at codon 1772 of the MYH9 protein (p.His1772Tyr). This variant is not present in population databases (gnomAD no frequency). This variant has not been reported in the literature in individuals affected with MYH9-related conditions. ClinVar contains an entry for this variant (Variation ID: 1361814). Invitae Evidence Modeling of protein sequence and biophysical properties (such as structural, functional, and spatial information, amino acid conservation, physicochemical variation, residue mobility, and thermodynamic stability) indicates that this missense variant is not expected to disrupt MYH9 protein function with a negative predictive value of 95%. In summary, the available evidence is currently insufficient to determine the role of this variant in disease. Therefore, it has been classified as a Variant of Uncertain Significance.

Fulgent Genetics
Classification: Uncertain significance for Macrothrombocytopenia and granulocyte inclusions with or without nephritis or sensorineural hearing loss; Autosomal dominant nonsyndromic hearing loss 17. Last evaluated: 2024-02-12. Review status: criteria provided, single submitter. Criteria: ACMG Guidelines, 2015. Collection method: clinical testing. Allele origin: germline.

Blueprint Genetics
Classification: Uncertain significance. Last evaluated: 2023-09-22. Review status: criteria provided, single submitter. Criteria: ACMG Guidelines, 2015. Collection method: clinical testing. Allele origin: germline.